The following is an entry in ClinVar:

NM_006767.4(LZTR1):c.1824C>A (p.Phe608Leu)

Gene: LZTR1 (leucine zipper like post translational regulator 1; plus strand). Cytogenetic location: 22q11.21.
Variant type: single nucleotide variant.
Coding change: c.1824C>A on transcript NM_006767.4 (MANE Select); coding-DNA position 1824, C replaced by A.
Protein change: p.Phe608Leu; replaces phenylalanine 608 with leucine.
Molecular consequence: missense variant.
Genome position (GRCh38, 1-based): chr22:20,994,908, C>A. VCF-style: chr22-20994908-C-A. GRCh37 (hg19) VCF-style: chr22-21349197-C-A.
Other names: c.1824C>A (NM_006767.3); short protein forms F608L.
Identifiers: ClinVar variation 1909276 (VCV001909276.6), dbSNP rs2518622373, ClinGen allele CA410778531.

ClinVar aggregate classification (germline): Uncertain significance. Review status: criteria provided, multiple submitters, no conflicts (2 of 4 stars). 2 submissions from 2 submitters: Uncertain significance (2). Last evaluated 2026-08-29.

Conditions:
Hereditary cancer-predisposing syndrome. Also called: Hereditary neoplastic syndrome; Neoplastic Syndromes, Hereditary; Tumor predisposition; Hereditary Cancer Syndrome. Identifiers: Orphanet 140162, MedGen C0027672, MeSH D009386, MONDO:0015356.
Cardiovascular phenotype. Identifiers: MedGen CN230736.

gnomAD v4.1: 5 of 1,613,444 alleles (0.00031%); highest among the groups gnomAD compares: Non-Finnish European, 0.00042%; no homozygotes.

Submissions (2):

Ambry Genetics
Classification: Uncertain significance for Cardiovascular phenotype; Hereditary cancer-predisposing syndrome. Last evaluated: 2026-08-29. Review status: criteria provided, single submitter. Criteria: Ambry Variant Classification Scheme 2023. Collection method: clinical testing. Allele origin: germline.
Comment: The p.F608L variant (also known as c.1824C>A), located in coding exon 16 of the LZTR1 gene, results from a C to A substitution at nucleotide position 1824. The phenylalanine at codon 608 is replaced by leucine, an amino acid with highly similar properties. This amino acid position is conserved. In addition, the in silico prediction for this alteration is inconclusive. Based on the available evidence, the clinical significance of this variant remains unclear.

Labcorp Genetics (formerly Invitae), Labcorp
Classification: Uncertain significance. Last evaluated: 2021-12-27. Review status: criteria provided, single submitter. Criteria: Invitae Variant Classification Sherloc (09022015). Collection method: clinical testing. Allele origin: germline.
Comment: In summary, the available evidence is currently insufficient to determine the role of this variant in disease. Therefore, it has been classified as a Variant of Uncertain Significance. Algorithms developed to predict the effect of missense changes on protein structure and function are either unavailable or do not agree on the potential impact of this missense change (SIFT: "Deleterious"; PolyPhen-2: "Benign"; Align-GVGD: "Class C0"). This variant has not been reported in the literature in individuals affected with LZTR1-related conditions. This variant is not present in population databases (gnomAD no frequency). This sequence change replaces phenylalanine, which is neutral and non-polar, with leucine, which is neutral and non-polar, at codon 608 of the LZTR1 protein (p.Phe608Leu).